The following is an entry in ClinVar:

ClinVar aggregate classification (germline): Pathogenic (1 of 4 stars; one submission).

Conditions:
DICER1-related tumor predisposition. Also called: DICER1 syndrome; DICER1-related pleuropulmonary blastoma cancer predisposition syndrome. Identifiers: Orphanet 284343, MedGen C3839822, MONDO:0100216.

Submission:

Labcorp Genetics (formerly Invitae), Labcorp
Classification: Pathogenic for DICER1-related tumor predisposition. Last evaluated: 2021-03-29. Review status: criteria provided, single submitter. Criteria: Invitae Variant Classification Sherloc (09022015). Collection method: clinical testing. Allele origin: germline.
Comment: This sequence change creates a premature translational stop signal (p.Glu861Lysfs*5) in the DICER1 gene. It is expected to result in an absent or disrupted protein product. Loss-of-function variants in DICER1 are known to be pathogenic (PMID: 19556464, 21266384). This variant is not present in population databases (ExAC no frequency). This variant has not been reported in the literature in individuals with DICER1-related conditions. For these reasons, this variant has been classified as Pathogenic.

Literature cited by the submitters: PubMed 19556464; PubMed 21266384.

NM_177438.3(DICER1):c.2580del (p.Glu861fs)

Gene: DICER1 (dicer 1, ribonuclease III; minus strand). Cytogenetic location: 14q32.13.
Variant type: Deletion.
Coding change: c.2580del on transcript NM_177438.3 (MANE Select); coding-DNA position 2580, one base deleted (T; older notation c.2580delT).
Protein change: p.Glu861fs; shifts the reading frame from glutamic acid 861.
Molecular consequence: frameshift variant.
Genome position (GRCh38, 1-based): chr14:95,107,950, A deleted on the plus strand (T on the coding strand, the reverse complement: DICER1 is on the minus strand); the first of 2 consecutive A bases (chr14:95,107,950-95,107,951); deleting either gives the same sequence. VCF-style (leftmost placement, unchanged base first): chr14-95107949-CA-C. GRCh37 (hg19) VCF-style: chr14-95574286-CA-C.
Other names: c.2580del, p.Glu861fs (NM_001195573.1, NM_001271282.3, NM_001291628.2 and 1 more transcripts); short protein forms E861fs.
Identifiers: ClinVar variation 1449812 (VCV001449812.7), dbSNP rs2140024253, ClinGen allele CA2573150479.